The following is an entry in ClinVar:

ClinVar aggregate classification (germline): Pathogenic. Review status: criteria provided, multiple submitters, no conflicts (2 of 4 stars). 3 submissions from 3 submitters: Pathogenic (3). Last evaluated 2025-10-20.

Conditions:
Cardiovascular phenotype. Identifiers: MedGen CN230736.
Hereditary cancer-predisposing syndrome. Also called: Hereditary Cancer Syndrome; Neoplastic Syndromes, Hereditary; Hereditary neoplastic syndrome; Tumor predisposition. Identifiers: Orphanet 140162, MedGen C0027672, MeSH D009386, MONDO:0015356.

Submissions (3):

Ambry Genetics
Classification: Pathogenic for Cardiovascular phenotype; Hereditary cancer-predisposing syndrome. Last evaluated: 2025-10-20. Review status: criteria provided, single submitter. Criteria: Ambry Variant Classification Scheme 2023. Collection method: clinical testing. Allele origin: germline.
Comment: The p.Y747* pathogenic mutation (also known as c.2241C>G), located in coding exon 19 of the LZTR1 gene, results from a C to G substitution at nucleotide position 2241. This changes the amino acid from a tyrosine to a stop codon within coding exon 19. This alteration is expected to result in loss of function by premature protein truncation or nonsense-mediated mRNA decay. Loss-of-function variants in LZTR1 are related to an increased risk for schwannomas and autosomal recessive Noonan syndrome; however, such associations with autosomal dominant Noonan syndrome have not been observed (Piotrowski A et al. Nat Genet. 2014 Feb;46:182-7; Yamamoto GL et al. J Med Genet. 2015 Jun;52:413-21; Johnston JJ et al. Genet Med. 2018 10;20:1175-1185). Based on the supporting evidence, this variant is pathogenic for an increased risk of LZTR1-related schwannomatosis (SWN) and would be expected to cause autosomal recessive Noonan syndrome when present along with a second pathogenic or likely pathogenic variant on the other allele; however, the association of this alteration with autosomal dominant Noonan syndrome is unlikely.

CeGaT Center for Human Genetics Tuebingen
Classification: Pathogenic. Last evaluated: 2025-06-01. Review status: criteria provided, single submitter. Criteria: CeGaT Center For Human Genetics Tuebingen Variant Classification Criteria Version 2. Collection method: clinical testing. Allele origin: germline. Affected: yes. Observed: 1 variant allele.
Comment: LZTR1: PVS1, PM2

Labcorp Genetics (formerly Invitae), Labcorp
Classification: Pathogenic. Last evaluated: 2024-09-04. Review status: criteria provided, single submitter. Criteria: Invitae Variant Classification Sherloc (09022015). Collection method: clinical testing. Allele origin: germline.
Comment: This sequence change creates a premature translational stop signal (p.Tyr747*) in the LZTR1 gene. It is expected to result in an absent or disrupted protein product. Loss-of-function variants in LZTR1 are known to be pathogenic (PMID: 24362817, 25335493, 25480913, 25795793, 29469822, 30368668, 30442762, 30442766, 30481304, 30859559). This variant is not present in population databases (gnomAD no frequency). This variant has not been reported in the literature in individuals affected with LZTR1-related conditions. ClinVar contains an entry for this variant (Variation ID: 2171195). Algorithms developed to predict the effect of sequence changes on RNA splicing suggest that this variant may create or strengthen a splice site. For these reasons, this variant has been classified as Pathogenic.

Literature cited by the submitters: PubMed 24362817 (cited by Labcorp Genetics (formerly Invitae), Labcorp); PubMed 25335493 (cited by Labcorp Genetics (formerly Invitae), Labcorp); PubMed 25480913 (cited by Labcorp Genetics (formerly Invitae), Labcorp); PubMed 25795793 (cited by Labcorp Genetics (formerly Invitae), Labcorp); PubMed 29469822 (cited by Labcorp Genetics (formerly Invitae), Labcorp); PubMed 30368668 (cited by Labcorp Genetics (formerly Invitae), Labcorp); PubMed 30442762 (cited by Labcorp Genetics (formerly Invitae), Labcorp); PubMed 30442766 (cited by Labcorp Genetics (formerly Invitae), Labcorp); PubMed 30481304 (cited by Labcorp Genetics (formerly Invitae), Labcorp); PubMed 30859559 (cited by Labcorp Genetics (formerly Invitae), Labcorp).

NM_006767.4(LZTR1):c.2241C>G (p.Tyr747Ter)

Gene: LZTR1 (leucine zipper like post translational regulator 1; plus strand). Cytogenetic location: 22q11.21.
Variant type: single nucleotide variant.
Coding change: c.2241C>G on transcript NM_006767.4 (MANE Select); coding-DNA position 2241, C replaced by G.
Protein change: p.Tyr747Ter; replaces tyrosine 747 with a stop codon.
Molecular consequence: nonsense.
Genome position (GRCh38, 1-based): chr22:20,996,717, C>G. VCF-style: chr22-20996717-C-G. GRCh37 (hg19) VCF-style: chr22-21351006-C-G.
Other names: c.2241C>G (NM_006767.3); short protein forms Y747*.
Identifiers: ClinVar variation 2171195 (VCV002171195.14), dbSNP rs756466043, ClinGen allele CA410780767.